The following is an entry in ClinVar:

ClinVar aggregate classification (germline): Uncertain significance. Review status: criteria provided, multiple submitters, no conflicts (2 of 4 stars). 2 submissions from 2 submitters: Uncertain significance (2). Last evaluated 2024-08-23.

Conditions:
Inborn genetic diseases. Identifiers: MedGen C0950123, MeSH D030342.

Allele frequency attached by ClinVar (database versions not stated): gnomAD exomes below 0.00001; gnomAD 0.00001; TOPMed 0.00001.
gnomAD v4.1: 4 of 1,611,258 alleles (0.00025%); highest among the groups gnomAD compares: Non-Finnish European, 0.00034%; no homozygotes.

Submissions (2):

Labcorp Genetics (formerly Invitae), Labcorp
Classification: Uncertain significance. Last evaluated: 2024-08-23. Review status: criteria provided, single submitter. Criteria: Invitae Variant Classification Sherloc (09022015). Collection method: clinical testing. Allele origin: germline.
Comment: This sequence change replaces leucine, which is neutral and non-polar, with proline, which is neutral and non-polar, at codon 644 of the DVL3 protein (p.Leu644Pro). This variant is not present in population databases (gnomAD no frequency). This variant has not been reported in the literature in individuals affected with DVL3-related conditions. ClinVar contains an entry for this variant (Variation ID: 2529302). Invitae Evidence Modeling of protein sequence and biophysical properties (such as structural, functional, and spatial information, amino acid conservation, physicochemical variation, residue mobility, and thermodynamic stability) indicates that this missense variant is not expected to disrupt DVL3 protein function with a negative predictive value of 80%. In summary, the available evidence is currently insufficient to determine the role of this variant in disease. Therefore, it has been classified as a Variant of Uncertain Significance.

Ambry Genetics
Classification: Uncertain significance for Inborn genetic diseases. Last evaluated: 2023-03-24. Review status: criteria provided, single submitter. Criteria: Ambry Variant Classification Scheme 2023. Collection method: clinical testing. Allele origin: germline.

NM_004423.4(DVL3):c.1931T>C (p.Leu644Pro)

Gene: DVL3 (dishevelled segment polarity protein 3; plus strand). Cytogenetic location: 3q27.1.
Variant type: single nucleotide variant.
Coding change: c.1931T>C on transcript NM_004423.4 (MANE Select); coding-DNA position 1931, T replaced by C.
Protein change: p.Leu644Pro; replaces leucine 644 with proline.
Molecular consequence: missense variant.
Genome position (GRCh38, 1-based): chr3:184,170,535, T>C. VCF-style: chr3-184170535-T-C. GRCh37 (hg19) VCF-style: chr3-183888323-T-C.
Other names: short protein forms L644P.
Identifiers: ClinVar variation 2529302 (VCV002529302.4), dbSNP rs200811835, ClinGen allele CA88856149.